The following is an entry in ClinVar:

ClinVar aggregate classification (germline): Likely benign (1 of 4 stars; one submission).

Allele frequency attached by ClinVar (database versions not stated): 1000 Genomes Project 0.00060; 1000 Genomes Project 30x 0.00062; ESP Exome Variant Server 0.00077; gnomAD 0.00100; TOPMed 0.00114.
gnomAD v4.1: 1,189 of 1,613,852 alleles (0.074%); highest among the groups gnomAD compares: Middle Eastern, 0.83%; 2 homozygotes.

Submission:

CeGaT Center for Human Genetics Tuebingen
Classification: Likely benign. Last evaluated: 2023-01-01. Review status: criteria provided, single submitter. Criteria: CeGaT Center For Human Genetics Tuebingen Variant Classification Criteria Version 2. Collection method: clinical testing. Allele origin: germline. Affected: yes. Observed: 1 variant allele.
Comment: PTPN12: BP4, BP7

NM_002835.4(PTPN12):c.1809T>C (p.Ser603=)

Gene: PTPN12 (protein tyrosine phosphatase non-receptor type 12; plus strand). Cytogenetic location: 7q11.23.
Variant type: single nucleotide variant.
Coding change: c.1809T>C on transcript NM_002835.4 (MANE Select); coding-DNA position 1809, T replaced by C.
Protein change: p.Ser603=; no amino-acid change (serine 603 retained).
Molecular consequence: synonymous variant.
Genome position (GRCh38, 1-based): chr7:77,627,488, T>C. VCF-style: chr7-77627488-T-C. GRCh37 (hg19) VCF-style: chr7-77256805-T-C.
Other names: c.1452T>C, p.Ser484= (NM_001131008.2); c.1419T>C, p.Ser473= (NM_001131009.2).
Identifiers: ClinVar variation 2657632 (VCV002657632.24), dbSNP rs112995142, ClinGen allele CA4311846.